The following is an entry in ClinVar:

Conditions:
Long QT syndrome 5 (LQT5). Identifiers: Orphanet 101016, Orphanet 768, MedGen C1867904, MONDO:0013372, OMIM 613695.

Submission:

Roden Lab, Vanderbilt University Medical Center
No classification provided (evidence only). Condition: Long QT syndrome 5. Review status: no classification provided. Collection method: in vitro. Allele origin: not applicable. Functional consequence: Effect on ion channel function.
ClinVar note: "not provided" was previously submitted as the classification for the variant. However, the classification appeared to be based only on an observation of functional data so it was converted to no classification on 2025-07-30.

NM_000219.6(KCNE1):c.24G>C (p.Ala8=)

Gene: KCNE1 (potassium voltage-gated channel subfamily E regulatory subunit 1; minus strand). Cytogenetic location: 21q22.12.
Variant type: single nucleotide variant.
Coding change: c.24G>C on transcript NM_000219.6 (MANE Select); coding-DNA position 24, G replaced by C.
Protein change: p.Ala8=; no amino-acid change (alanine 8 retained).
Molecular consequence: synonymous variant.
Genome position (GRCh38, 1-based): chr21:34,449,611, C>G on the plus strand (G>C on the coding strand, the complement: KCNE1 is on the minus strand). VCF-style: chr21-34449611-C-G. GRCh37 (hg19) VCF-style: chr21-35821909-C-G.
Other names: c.24G>C, p.Ala8= (NM_001127668.4, NM_001127669.4, NM_001127670.4 and 4 more transcripts).
Identifiers: ClinVar variation 3374419 (VCV003374419.2).